The following is an entry in ClinVar:

NM_022124.6(CDH23):c.778G>T (p.Ala260Ser)

Gene: CDH23 (cadherin related 23; plus strand). Cytogenetic location: 10q22.1.
Variant type: single nucleotide variant.
Coding change: c.778G>T on transcript NM_022124.6 (MANE Select); coding-DNA position 778, G replaced by T.
Protein change: p.Ala260Ser; replaces alanine 260 with serine.
Molecular consequence: missense variant.
Genome position (GRCh38, 1-based): chr10:71,577,938, G>T. VCF-style: chr10-71577938-G-T. GRCh37 (hg19) VCF-style: chr10-73337695-G-T.
Other names: c.778G>T, p.Ala260Ser (NM_001171930.2, NM_001171931.2, NM_001171932.2 and 1 more transcripts); c.778G>T (NM_022124.5); short protein forms A260S.
Identifiers: ClinVar variation 1015132 (VCV001015132.6), dbSNP rs373294595, ClinGen allele CA5543553.

ClinVar aggregate classification (germline): Uncertain significance. Review status: criteria provided, multiple submitters, no conflicts (2 of 4 stars). 5 submissions from 5 submitters: Uncertain significance (4). 1 of the submissions does not count toward it. Last evaluated 2024-11-05.

Conditions:
Usher syndrome type 1 (USH1). Also called: RETINITIS PIGMENTOSA AND CONGENITAL DEAFNESS. Identifiers: Orphanet 231169, Orphanet 886, MedGen C1568247, MONDO:0010168, OMIM 276900.
Pituitary adenoma 5, multiple types. Identifiers: MedGen C4539685, MONDO:0054601, OMIM 617540.
Usher syndrome type 1D (USH1D). Also called: USHER SYNDROME, TYPE ID. Identifiers: Orphanet 231169, Orphanet 886, MedGen C1832845, MONDO:0010984, OMIM 601067.
Autosomal recessive nonsyndromic hearing loss 12. Also called: DEAFNESS, AUTOSOMAL RECESSIVE 12. Identifiers: Orphanet 90636, MedGen C1832394, MONDO:0011067, OMIM 601386.

Allele frequency attached by ClinVar (database versions not stated): ESP Exome Variant Server 0.00008; TOPMed 0.00007.
gnomAD v4.1: 43 of 1,604,420 alleles (0.0027%); highest among the groups gnomAD compares: Non-Finnish European, 0.0034%; no homozygotes.

Submissions (5):

GeneDx
Classification: Uncertain significance. Last evaluated: 2024-11-05. Review status: criteria provided, single submitter. Criteria: GeneDx Variant Classification Process June 2021. Collection method: clinical testing. Allele origin: germline. Affected: yes.
Comment: In silico analysis indicates that this missense variant does not alter protein structure/function; Has not been previously published as pathogenic or benign to our knowledge

Blueprint Genetics
Classification: Uncertain significance. Last evaluated: 2023-04-04. Review status: criteria provided, single submitter. Criteria: ACMG Guidelines, 2015. Collection method: clinical testing. Allele origin: germline.

Labcorp Genetics (formerly Invitae), Labcorp
Classification: Uncertain significance. Last evaluated: 2021-09-25. Review status: criteria provided, single submitter. Criteria: Invitae Variant Classification Sherloc (09022015). Collection method: clinical testing. Allele origin: germline.
Comment: This sequence change replaces alanine with serine at codon 260 of the CDH23 protein (p.Ala260Ser). The alanine residue is highly conserved and there is a moderate physicochemical difference between alanine and serine. This variant is present in population databases (rs373294595, ExAC 0.02%). This variant has not been reported in the literature in individuals affected with CDH23-related conditions. Algorithms developed to predict the effect of missense changes on protein structure and function are either unavailable or do not agree on the potential impact of this missense change (SIFT: "Deleterious"; PolyPhen-2: "Not Available"; Align-GVGD: "Class C0"). In summary, the available evidence is currently insufficient to determine the role of this variant in disease. Therefore, it has been classified as a Variant of Uncertain Significance.

Fulgent Genetics
Classification: Uncertain significance for Usher syndrome type 1D; Autosomal recessive nonsyndromic hearing loss 12; Pituitary adenoma 5, multiple types. Last evaluated: 2021-07-26. Review status: criteria provided, single submitter. Criteria: ACMG Guidelines, 2015. Collection method: clinical testing. Allele origin: unknown.

Natera, Inc.
Classification: Uncertain significance for Usher syndrome type 1. Last evaluated: 2021-04-21. Review status: no assertion criteria provided. Collection method: clinical testing. Allele origin: germline. Not counted in ClinVar's aggregate classification.